The following is an entry in ClinVar:

NM_005357.4(LIPE):c.280G>A (p.Ala94Thr)

Genes: LIPE (lipase E, hormone sensitive type; minus strand), LIPE-AS1 (LIPE antisense RNA 1; plus strand). Cytogenetic location: 19q13.2.
Variant type: single nucleotide variant.
Coding change: c.280G>A on transcript NM_005357.4 (MANE Select); coding-DNA position 280, G replaced by A.
Protein change: p.Ala94Thr; replaces alanine 94 with threonine.
Molecular consequence: missense variant.
Genome position (GRCh38, 1-based): chr19:42,426,870, C>T on the plus strand (G>A on the coding strand, the complement: LIPE is on the minus strand). VCF-style: chr19-42426870-C-T. GRCh37 (hg19) VCF-style: chr19-42931022-C-T.
Other names: short protein forms A94T.
Identifiers: ClinVar variation 720457 (VCV000720457.33), dbSNP rs145456377, ClinGen allele CA9477363.

ClinVar aggregate classification (germline): Benign/Likely benign. Review status: criteria provided, multiple submitters, no conflicts (2 of 4 stars). 5 submissions from 5 submitters: Benign (1); Likely benign (4). Last evaluated 2024-11-01.

Allele frequency attached by ClinVar (database versions not stated): 1000 Genomes Project 0.00060; 1000 Genomes Project 30x 0.00078; gnomAD 0.00160; ESP Exome Variant Server 0.00185; TOPMed 0.00205; ExAC 0.00222; gnomAD exomes 0.00236.
gnomAD v4.1: 2,421 of 1,614,124 alleles (0.15%); highest among the groups gnomAD compares: Middle Eastern, 2.9%; 14 homozygotes.

Submissions (5):

Blueprint Genetics
Classification: Likely benign. Last evaluated: 2024-11-01. Review status: criteria provided, single submitter. Criteria: ACMG Guidelines, 2015. Collection method: clinical testing. Allele origin: germline.

CeGaT Center for Human Genetics Tuebingen
Classification: Likely benign. Last evaluated: 2024-11-01. Review status: criteria provided, single submitter. Criteria: CeGaT Center For Human Genetics Tuebingen Variant Classification Criteria Version 2. Collection method: clinical testing. Allele origin: germline. Affected: yes. Observed: 3 variant alleles.
Comment: LIPE: BP4, BS2

Labcorp Genetics (formerly Invitae), Labcorp
Classification: Likely benign. Last evaluated: 2019-12-31. Review status: criteria provided, single submitter. Criteria: Invitae Variant Classification Sherloc (09022015). Collection method: clinical testing. Allele origin: germline.

Genetic Services Laboratory, University of Chicago
Classification: Benign. Last evaluated: 2017-11-15. Review status: criteria provided, single submitter. Criteria: ACMG Guidelines, 2015. Collection method: clinical testing. Allele origin: germline. Affected: no.

Breakthrough Genomics
Classification: Likely benign. Review status: criteria provided, single submitter. Criteria: ACMG Guidelines, 2015. Collection method: not provided. Allele origin: germline. Inheritance: Autosomal recessive inheritance. Affected: yes.